The following is an entry in ClinVar:

NM_002485.5(NBN):c.1325G>A (p.Ser442Asn)

Gene: NBN (nibrin; minus strand). Cytogenetic location: 8q21.3.
Variant type: single nucleotide variant.
Coding change: c.1325G>A on transcript NM_002485.5 (MANE Select); coding-DNA position 1325, G replaced by A.
Protein change: p.Ser442Asn; replaces serine 442 with asparagine.
Molecular consequence: missense variant.
Genome position (GRCh38, 1-based): chr8:89,955,355, C>T on the plus strand (G>A on the coding strand, the complement: NBN is on the minus strand). VCF-style: chr8-89955355-C-T. GRCh37 (hg19) VCF-style: chr8-90967583-C-T.
Other names: c.1079G>A, p.Ser360Asn (NM_001024688.3); short protein forms S360N, S442N.
Identifiers: ClinVar variation 3917587 (VCV003917587.1).

ClinVar aggregate classification (germline): Uncertain significance (1 of 4 stars; one submission).

Conditions:
Hereditary cancer-predisposing syndrome. Also called: Hereditary Cancer Syndrome; Hereditary neoplastic syndrome; Neoplastic Syndromes, Hereditary; Tumor predisposition. Identifiers: Orphanet 140162, MedGen C0027672, MeSH D009386, MONDO:0015356.

Submission:

Ambry Genetics
Classification: Uncertain significance for Hereditary cancer-predisposing syndrome. Last evaluated: 2025-03-31. Review status: criteria provided, single submitter. Criteria: Ambry Variant Classification Scheme 2023. Collection method: clinical testing. Allele origin: germline.
Comment: The p.S442N variant (also known as c.1325G>A), located in coding exon 10 of the NBN gene, results from a G to A substitution at nucleotide position 1325. The serine at codon 442 is replaced by asparagine, an amino acid with highly similar properties. This amino acid position is conserved. In addition, this alteration is predicted to be tolerated by in silico analysis. Based on the available evidence, the clinical significance of this variant remains unclear.